The following is an entry in ClinVar:

ClinVar aggregate classification (germline): Uncertain significance (1 of 4 stars; one submission).

Conditions:
Neurofibromatosis, type 1 (NF1). Also called: Peripheral type neurofibromatosis; VON RECKLINGHAUSEN DISEASE; Neurofibromatosis, type I; NEUROFIBROMATOSIS, TYPE I, SOMATIC. Identifiers: Orphanet 636, MedGen C0027831, MONDO:0018975, OMIM 162200. Disease mechanism: loss of function.

Submission:

Labcorp Genetics (formerly Invitae), Labcorp
Classification: Uncertain significance for Neurofibromatosis, type 1. Last evaluated: 2024-08-27. Review status: criteria provided, single submitter. Criteria: Invitae Variant Classification Sherloc (09022015). Collection method: clinical testing. Allele origin: germline.
Comment: This sequence change replaces lysine, which is basic and polar, with arginine, which is basic and polar, at codon 2244 of the NF1 protein (p.Lys2244Arg). This variant is not present in population databases (gnomAD no frequency). This variant has not been reported in the literature in individuals affected with NF1-related conditions. ClinVar contains an entry for this variant (Variation ID: 569818). Invitae Evidence Modeling of protein sequence and biophysical properties (such as structural, functional, and spatial information, amino acid conservation, physicochemical variation, residue mobility, and thermodynamic stability) has been performed for this missense variant. However, the output from this modeling did not meet the statistical confidence thresholds required to predict the impact of this variant on NF1 protein function. Algorithms developed to predict the effect of sequence changes on RNA splicing suggest that this variant may disrupt the consensus splice site. In summary, the available evidence is currently insufficient to determine the role of this variant in disease. Therefore, it has been classified as a Variant of Uncertain Significance.

NM_001042492.3(NF1):c.6794A>G (p.Lys2265Arg)

Gene: NF1 (neurofibromin 1; plus strand). Cytogenetic location: 17q11.2.
Variant type: single nucleotide variant.
Coding change: c.6794A>G on transcript NM_001042492.3 (MANE Select); coding-DNA position 6794, A replaced by G.
Protein change: p.Lys2265Arg; replaces lysine 2265 with arginine.
Molecular consequence: missense variant.
Genome position (GRCh38, 1-based): chr17:31,338,114, A>G. VCF-style: chr17-31338114-A-G. GRCh37 (hg19) VCF-style: chr17-29665132-A-G.
Other names: c.6731A>G, p.Lys2244Arg (NM_000267.4); short protein forms K2265R, K2244R.
Identifiers: ClinVar variation 569818 (VCV000569818.7), dbSNP rs1060500258, ClinGen allele CA399014170.
Genomic context (GRCh38, chr17:31,338,114, plus strand): 5'-AACCAAGAGCTCTTGTTGTCTTTGGGTGTATTAGCAAACGAGTGTCTCATGGGCAGATAA[A>G]GCAGATAATCCGTATTCTTAGCAAGGTACCTGTTCCGCCCTCACTTCTCCCAAATATTTA-3'
Protein context (NP_001035957.1, residues 2255-2275): ISKRVSHGQI[Lys2265Arg]QIIRILSKAL